The following is an entry in ClinVar:

ClinVar aggregate classification (germline): Benign (1 of 4 stars; one submission).

Conditions:
Colorectal cancer, susceptibility to, 1. Also called: COLORECTAL ADENOMA AND CANCER, SUSCEPTIBILITY TO; COLORECTAL CANCER, SUSCEPTIBILITY TO, ON CHROMOSOME 9. Identifiers: MedGen C1837315, MONDO:0012132, OMIM 608812.

Submission:

Myriad Genetics, Inc.
Classification: Benign for Colorectal cancer, susceptibility to, 1. Last evaluated: 2026-04-24. Review status: criteria provided, single submitter. Criteria: Myriad Autosomal Dominant, Autosomal Recessive and X-Linked Classification Criteria (2023). Collection method: clinical testing. Allele origin: unknown.
Comment: This variant is considered benign. This variant is a silent/synonymous amino acid change and it is not expected to impact splicing.

NM_024642.5(GALNT12):c.738T>C (p.His246=)

Gene: GALNT12 (polypeptide N-acetylgalactosaminyltransferase 12; plus strand). Cytogenetic location: 9q22.33.
Variant type: single nucleotide variant.
Coding change: c.738T>C on transcript NM_024642.5 (MANE Select); coding-DNA position 738, T replaced by C.
Protein change: p.His246=; no amino-acid change (histidine 246 retained).
Molecular consequence: synonymous variant.
Genome position (GRCh38, 1-based): chr9:98,831,778, T>C. VCF-style: chr9-98831778-T-C. GRCh37 (hg19) VCF-style: chr9-101594060-T-C.
Identifiers: ClinVar variation 4875771 (VCV004875771.1).